The following is an entry in ClinVar:

ClinVar aggregate classification (germline): Uncertain significance (1 of 4 stars; one submission).

gnomAD v4.1: 14 of 1,612,140 alleles (0.00087%); highest among the groups gnomAD compares: Non-Finnish European, 0.0011%; no homozygotes.

Submission:

Labcorp Genetics (formerly Invitae), Labcorp
Classification: Uncertain significance. Last evaluated: 2024-12-16. Review status: criteria provided, single submitter. Criteria: Invitae Variant Classification Sherloc (09022015). Collection method: clinical testing. Allele origin: germline.
Comment: This sequence change replaces glycine, which is neutral and non-polar, with cysteine, which is neutral and slightly polar, at codon 1699 of the KMT2B protein (p.Gly1699Cys). This variant is present in population databases (no rsID available, gnomAD 0.0009%). This variant has not been reported in the literature in individuals affected with KMT2B-related conditions. Invitae Evidence Modeling of protein sequence and biophysical properties (such as structural, functional, and spatial information, amino acid conservation, physicochemical variation, residue mobility, and thermodynamic stability) has been performed for this missense variant. However, the output from this modeling did not meet the statistical confidence thresholds required to predict the impact of this variant on KMT2B protein function. In summary, the available evidence is currently insufficient to determine the role of this variant in disease. Therefore, it has been classified as a Variant of Uncertain Significance.

NM_014727.3(KMT2B):c.5095G>T (p.Gly1699Cys)

Gene: KMT2B (lysine methyltransferase 2B; plus strand). Cytogenetic location: 19q13.12.
Variant type: single nucleotide variant.
Coding change: c.5095G>T on transcript NM_014727.3 (MANE Select); coding-DNA position 5095, G replaced by T.
Protein change: p.Gly1699Cys; replaces glycine 1699 with cysteine.
Molecular consequence: missense variant.
Genome position (GRCh38, 1-based): chr19:35,730,360, G>T. VCF-style: chr19-35730360-G-T. GRCh37 (hg19) VCF-style: chr19-36221261-G-T.
Other names: short protein forms G1699C.
Identifiers: ClinVar variation 3625193 (VCV003625193.2).
Genomic context (GRCh38, chr19:35,730,360, plus strand): 5'-CCCACCAATGCAGCCACCTCACTTTGCCACCCCCTCTTCCAGGAAATTGTGAACCCCGAT[G>T]GTTTTGATGTTCTCCGCCGAGTCTATGTGGACTTCGAGGGCATCAACTTCAAGCGGAAGT-3'
Protein context (NP_055542.1, residues 1689-1709): LDGKEIVNPD[Gly1699Cys]FDVLRRVYVD